The following is an entry in ClinVar:

NM_001393797.1(ABCC12):c.3237G>A (p.Glu1079=)

Gene: ABCC12 (ATP binding cassette subfamily C member 12; minus strand). Cytogenetic location: 16q12.1.
Variant type: single nucleotide variant.
Coding change: c.3237G>A on transcript NM_001393797.1 (MANE Select); coding-DNA position 3237, G replaced by A.
Protein change: p.Glu1079=; no amino-acid change (glutamic acid 1079 retained).
Molecular consequence: synonymous variant. On other transcripts: 5 prime UTR variant (2), non-coding transcript variant (8).
Genome position (GRCh38, 1-based): chr16:48,091,168, C>T on the plus strand (G>A on the coding strand, the complement: ABCC12 is on the minus strand). VCF-style: chr16-48091168-C-T. GRCh37 (hg19) VCF-style: chr16-48125079-C-T.
Other names: c.-142G>A (NM_001393798.1, NM_001393799.1); c.3237G>A, p.Glu1079= (NM_033226.3); c.3237G>A (NM_033226.2).
Identifiers: ClinVar variation 2646494 (VCV002646494.25), dbSNP rs774434636, ClinGen allele CA8041780.

ClinVar aggregate classification (germline): Likely benign. Review status: criteria provided, multiple submitters, no conflicts (2 of 4 stars). 2 submissions from 2 submitters: Likely benign (2). Last evaluated 2026-09-01.

Conditions:
ABCC12-related condition.

Allele frequency attached by ClinVar (database versions not stated): gnomAD exomes 0.00013; gnomAD 0.00015; TOPMed 0.00019; ExAC 0.00023.
gnomAD v4.1: 229 of 1,614,174 alleles (0.014%); highest among the groups gnomAD compares: Middle Eastern, 0.049%; 2 homozygotes.

Submissions (2):

PreventionGenetics, part of Exact Sciences
Classification: Likely benign for ABCC12-related condition. Last evaluated: 2026-09-01. Review status: criteria provided, single submitter. Criteria: ACMG Guidelines, 2015. Collection method: clinical testing. Allele origin: germline.
Comment: This variant is classified as likely benign based on ACMG/AMP sequence variant interpretation guidelines (Richards et al. 2015 PMID: 25741868, with internal and published modifications).

CeGaT Center for Human Genetics Tuebingen
Classification: Likely benign. Last evaluated: 2023-01-01. Review status: criteria provided, single submitter. Criteria: CeGaT Center For Human Genetics Tuebingen Variant Classification Criteria Version 2. Collection method: clinical testing. Allele origin: germline. Affected: yes. Observed: 1 variant allele.
Comment: ABCC12: BP4, BS2